The following is an entry in ClinVar:

ClinVar aggregate classification (germline): Pathogenic/Likely pathogenic. Review status: criteria provided, multiple submitters, no conflicts (2 of 4 stars). 4 submissions from 4 submitters: Pathogenic (3); Likely pathogenic (1). Last evaluated 2023-09-25.

Conditions:
Hereditary cancer-predisposing syndrome. Also called: Tumor predisposition; Neoplastic Syndromes, Hereditary; Hereditary Cancer Syndrome; Hereditary neoplastic syndrome. Identifiers: Orphanet 140162, MedGen C0027672, MeSH D009386, MONDO:0015356.
Fumarase deficiency (FMRD). Also called: Fumarate Hydratase Deficiency; Fumaric aciduria. Identifiers: Orphanet 24, MedGen C0342770, MONDO:0011730, OMIM 606812.

Submissions (4):

Ambry Genetics
Classification: Pathogenic for Hereditary cancer-predisposing syndrome. Last evaluated: 2023-09-25. Review status: criteria provided, single submitter. Criteria: Ambry Variant Classification Scheme 2023. Collection method: clinical testing. Allele origin: germline.
Comment: The c.738+2T>C intronic pathogenic mutation results from a T to C substitution two nucleotides after coding exon 5 in the FH gene. This nucleotide position is highly conserved in available vertebrate species. This alteration has been observed in at least one individual with a personal and/or family history that is consistent with FH-related disease (Ambry internal data). This variant is considered to be rare based on population cohorts in the Genome Aggregation Database (gnomAD). In silico splice site analysis predicts that this alteration will weaken the native splice donor site and may result in the creation or strengthening of a novel splice donor site. RNA studies have demonstrated that this alteration results in abnormal splicing in the set of samples tested (Ambry internal data). Based on the supporting evidence, this alteration is interpreted as a disease-causing mutation.

Labcorp Genetics (formerly Invitae), Labcorp
Classification: Pathogenic. Last evaluated: 2023-06-20. Review status: criteria provided, single submitter. Criteria: Invitae Variant Classification Sherloc (09022015). Collection method: clinical testing. Allele origin: germline.
Comment: For these reasons, this variant has been classified as Pathogenic. ClinVar contains an entry for this variant (Variation ID: 405921). Disruption of this splice site has been observed in individuals with multiple cutaneous leiomyomas and/or renal cell carcinoma (PMID: 26173633, 28300276; Invitae). This variant is not present in population databases (gnomAD no frequency). This sequence change affects a donor splice site in intron 5 of the FH gene. It is expected to disrupt RNA splicing. Variants that disrupt the donor or acceptor splice site typically lead to a loss of protein function (PMID: 16199547), and loss-of-function variants in FH are known to be pathogenic (PMID: 11865300, 21398687). Algorithms developed to predict the effect of sequence changes on RNA splicing suggest that this variant may disrupt the consensus splice site.

GeneDx
Classification: Pathogenic. Last evaluated: 2019-06-14. Review status: criteria provided, single submitter. Criteria: GeneDx Variant Classification Process June 2021. Collection method: clinical testing. Allele origin: germline. Affected: yes.
Comment: Canonical splice site variant predicted to result in an in-frame deletion of a critical region [Exon 5 with multiple PATH missense variants and the substrate binding region]; Not observed in large population cohorts (Lek et al., 2016)

Women's Health and Genetics/Laboratory Corporation of America, LabCorp
Classification: Likely pathogenic for Fumarase deficiency. Last evaluated: 2018-02-27. Review status: criteria provided, single submitter. Criteria: LabCorp Variant Classification Summary - May 2015. Collection method: clinical testing. Allele origin: germline.
Comment: Variant summary: FH c.738+2T>C is located in a canonical splice-site and is predicted to affect mRNA splicing resulting in a significantly altered protein due to either exon skipping, shortening, or inclusion of intronic material. Several computational tools predict a significant impact on normal splicing: Five predict the variant abolishes a 5' splicing donor site. However, these predictions have yet to be confirmed by functional studies. The variant was absent in 245936 control chromosomes. To our knowledge, no occurrence of c.738+2T>C in individuals affected with Hereditary Leiomyomatosis and Renal Cell Cancer and no experimental evidence demonstrating its impact on protein function have been reported. One clinical diagnostic laboratory has submitted clinical-significance assessments for this variant to ClinVar after 2014 without evidence for independent evaluation, and classified the variant as likely pathogenic. Based on the evidence outlined above, the variant was classified as likely pathogenic.

Literature cited by the submitters: PubMed 26173633 (cited by Labcorp Genetics (formerly Invitae), Labcorp); PubMed 28300276 (cited by Labcorp Genetics (formerly Invitae), Labcorp); PubMed 16199547 (cited by Labcorp Genetics (formerly Invitae), Labcorp); PubMed 11865300 (cited by Labcorp Genetics (formerly Invitae), Labcorp); PubMed 21398687 (cited by Labcorp Genetics (formerly Invitae), Labcorp).

NM_000143.4(FH):c.738+2T>C

Gene: FH (fumarate hydratase; minus strand). Cytogenetic location: 1q43.
Variant type: single nucleotide variant.
Coding change: c.738+2T>C on transcript NM_000143.4 (MANE Select); the canonical splice donor site of the intron after coding-DNA position 738, T replaced by C.
Molecular consequence: splice donor variant.
Genome position (GRCh38, 1-based): chr1:241,508,601, A>G on the plus strand (T>C on the coding strand, the complement: FH is on the minus strand). VCF-style: chr1-241508601-A-G. GRCh37 (hg19) VCF-style: chr1-241671901-A-G.
Identifiers: ClinVar variation 405921 (VCV000405921.18), dbSNP rs1060500901, ClinGen allele CA16610056.
Genomic context (GRCh38, chr1:241,508,601, plus strand): 5'-GATGACACATTGGCCATTTGTACCAAGCTCTAAATTGAATCAAATTAGTCAAACTCCTAT[A>G]CCTGCCCAAGAGTAAGTGGAACAGCATCCTGAGTATGAGTACGTCCAATCTTGATGATCT-3'